The following is an entry in ClinVar:

NM_000143.4(FH):c.912_918del (p.Phe305fs)

Gene: FH (fumarate hydratase; minus strand). Cytogenetic location: 1q43.
Variant type: Deletion.
Coding change: c.912_918del on transcript NM_000143.4 (MANE Select); coding-DNA positions 912 to 918, 7 bases deleted (TTTTGTC; older notation c.912_918delTTTTGTC).
Protein change: p.Phe305fs; shifts the reading frame from phenylalanine 305.
Molecular consequence: frameshift variant.
Genome position (GRCh38, 1-based): chr1:241,504,232-241,504,238, GACAAAA deleted on the plus strand (TTTTGTC on the coding strand, the reverse complement: FH is on the minus strand); deleting any 7 consecutive bases within chr1:241,504,232-241,504,239 gives the same sequence; the c. name uses the placement nearest the transcript's 3' end. VCF-style (leftmost placement, unchanged base first): chr1-241504231-TGACAAAA-T. GRCh37 (hg19) VCF-style: chr1-241667531-TGACAAAA-T.
Other names: c.912_918delTTTTGTC (NM_000143.3); short protein forms F305fs.
Identifiers: ClinVar variation 198391 (VCV000198391.62), dbSNP rs794727836, ClinGen allele CA275378.
Genomic context (GRCh38, chr1:241,504,231, plus strand): 5'-CTCCACTGAGCTCAACCAGAGCGTCATGAGCAGCCAGAGCTTCAAATTTATTCGGAGCAG[TGACAAAA>T]GGCAAGCCTAAAGAAAAGAAAAATATCCTAGATGGGTGAACAAGTTAAACTAAACATTTT-3'

ClinVar aggregate classification (germline): Pathogenic/Likely pathogenic. Review status: criteria provided, multiple submitters, no conflicts (2 of 4 stars). 10 submissions from 10 submitters: Pathogenic (9); Likely pathogenic (1). Last evaluated 2026-02-01.

Conditions:
FH-related disorder. Also called: FH-related condition; FH-related disorders.
Hereditary cancer-predisposing syndrome. Also called: Neoplastic Syndromes, Hereditary; Hereditary Cancer Syndrome; Tumor predisposition; Hereditary neoplastic syndrome. Identifiers: Orphanet 140162, MedGen C0027672, MeSH D009386, MONDO:0015356.
Hereditary leiomyomatosis and renal cell cancer. Also called: Reed syndrome; Multiple cutaneous and uterine leiomyomatosis; Cutaneous leiomyomata with uterine leiomyomata; Leiomyoma, hereditary multiple, of skin; Multiple cutaneous and uterine leiomyomata; FH tumor predisposition syndrome. Identifiers: Orphanet 523, MedGen C1708350, MONDO:0007888, OMIM 150800, HP:0007437. Disease mechanism: loss of function.
Fumarase deficiency (FMRD). Also called: Fumarate Hydratase Deficiency; Fumaric aciduria. Identifiers: Orphanet 24, MedGen C0342770, MONDO:0011730, OMIM 606812.

Submissions (10):

Labcorp Genetics (formerly Invitae), Labcorp
Classification: Pathogenic. Last evaluated: 2026-02-01. Review status: criteria provided, single submitter. Criteria: Invitae Variant Classification Sherloc (09022015). Collection method: clinical testing. Allele origin: germline.
Comment: This sequence change creates a premature translational stop signal (p.Phe305Leufs*22) in the FH gene. It is expected to result in an absent or disrupted protein product. Loss-of-function variants in FH are known to be pathogenic (PMID: 11865300, 21398687). This variant is not present in population databases (gnomAD no frequency). This premature translational stop signal has been observed in individual(s) with hereditary leiomyomatosis and renal cell cancer (PMID: 12772087). This variant is also known as 7-bp del at 782–788, P261 stop. ClinVar contains an entry for this variant (Variation ID: 198391). For these reasons, this variant has been classified as Pathogenic.

Natera, Inc.
Classification: Likely pathogenic for Fumarase Deficiency. Last evaluated: 2025-10-10. Review status: criteria provided, single submitter. Criteria: Natera Variant Classification Schema (03/2026). Collection method: clinical testing. Allele origin: germline.
Comment: The c.912_918delTTTTGTC variant in FH is a frameshift variant predicted to shift the reading frame beginning at codon 305 and leads to a stop codon 22 codons downstream. This variant is expected to result in nonsense mediated decay, truncation, or a dysfunctional protein product. This variant is rare in the general population with a frequency below the threshold expected for the associated phenotype(s). Given the available evidence, this variant is classified as Likely Pathogenic.

Ambry Genetics
Classification: Pathogenic for Hereditary cancer-predisposing syndrome. Last evaluated: 2025-05-20. Review status: criteria provided, single submitter. Criteria: Ambry Variant Classification Scheme 2023. Collection method: clinical testing. Allele origin: germline.
Comment: The c.912_918delTTTTGTC pathogenic mutation, located in coding exon 7 of the FH gene, results from a deletion of 7 nucleotides at nucleotide positions 912 to 918, causing a translational frameshift with a predicted alternate stop codon (p.F305Lfs*22). This alteration is expected to result in loss of function by premature protein truncation or nonsense-mediated mRNA decay. As such, this alteration is interpreted as a disease-causing mutation.

Baylor Genetics
Classification: Pathogenic for Fumarase deficiency. Last evaluated: 2023-10-05. Review status: criteria provided, single submitter. Criteria: ACMG Guidelines, 2015. Collection method: clinical testing. Allele origin: unknown.

Myriad Genetics, Inc.
Classification: Pathogenic for Hereditary leiomyomatosis and renal cell cancer. Last evaluated: 2023-06-21. Review status: criteria provided, single submitter. Criteria: Myriad Autosomal Dominant, Autosomal Recessive and X-Linked Classification Criteria (2023). Collection method: clinical testing. Allele origin: unknown.
Comment: This variant is considered pathogenic. This variant creates a frameshift predicted to result in premature protein truncation.

Quest Diagnostics Nichols Institute San Juan Capistrano
Classification: Pathogenic. Last evaluated: 2022-04-29. Review status: criteria provided, single submitter. Criteria: Quest Diagnostics criteria. Collection method: clinical testing. Allele origin: unknown.
Comment: This frameshift variant alters the translational reading frame of the FH mRNA and causes the premature termination of FH protein synthesis. The variant has not been reported in individuals with FH-related diseases in the published literature. It also has not been reported in large, multi-ethnic general populations. Based on the available information, this variant is classified as pathogenic.

GeneDx
Classification: Pathogenic. Last evaluated: 2021-11-01. Review status: criteria provided, single submitter. Criteria: GeneDx Variant Classification Process June 2021. Collection method: clinical testing. Allele origin: germline. Affected: yes.
Comment: Frameshift variant predicted to result in protein truncation or nonsense mediated decay in a gene for which loss-of-function is a known mechanism of disease; Not observed at significant frequency in large population cohorts (Lek et al., 2016); Also known as c.782_788del, p.P261fs, p.P261X; This variant is associated with the following publications: (PMID: 12772087, 26447894, 15741255, 16597677)

Blueprint Genetics
Classification: Pathogenic for FH-related disorders. Last evaluated: 2021-08-24. Review status: criteria provided, single submitter. Criteria: ACMG Guidelines, 2015. Collection method: clinical testing. Allele origin: germline. Affected: yes. Observed: 1 variant allele.

Genomic Diagnostic Laboratory, Division of Genomic Diagnostics, Children's Hospital of Philadelphia
Classification: Pathogenic for Hereditary leiomyomatosis and renal cell cancer. Last evaluated: 2017-01-17. Review status: criteria provided, single submitter. Criteria: DGD Variant Analysis Guidelines. Collection method: clinical testing. Allele origin: germline. Affected: yes. Observed: 5 variant alleles.
Comment: Clinical Testing

Eurofins Ntd Llc (ga)
Classification: Pathogenic. Last evaluated: 2015-04-14. Review status: criteria provided, single submitter. Criteria: EGL Classification Definitions 2015. Collection method: clinical testing. Allele origin: germline. Observed: 4 variant alleles, 4 heterozygotes.

Literature cited by the submitters: PubMed 11865300 (cited by Labcorp Genetics (formerly Invitae), Labcorp); PubMed 21398687 (cited by Labcorp Genetics (formerly Invitae), Labcorp); PubMed 12772087 (cited by 3 submitters).